The following is an entry in ClinVar:

ClinVar aggregate classification (germline): Uncertain significance (1 of 4 stars; one submission).

Submission:

Laboratory for Molecular Medicine, Mass General Brigham Personalized Medicine
Classification: Uncertain significance. Last evaluated: 2013-11-19. Review status: criteria provided, single submitter. Criteria: LMM Criteria. Collection method: clinical testing. Allele origin: germline. Observed: 1 variant allele.
Comment: The Phe284Ser variant in OTOA has not been previously reported in individuals wi th hearing loss or in large population studies. Computational analyses (biochemi cal amino acid properties, conservation, PolyPhen2, and SIFT) suggest that the P he284Ser variant may impact the protein, though this information is not predicti ve enough to determine pathogenicity. In summary, additional data is needed to d etermine the clinical significance of this variant.

NM_144672.4(OTOA):c.851T>C (p.Phe284Ser)

Gene: OTOA (otoancorin). Cytogenetic location: 16p12.2.
Variant type: single nucleotide variant.
Coding change: c.851T>C on transcript NM_144672.4 (MANE Select); coding-DNA position 851, T replaced by C.
Protein change: p.Phe284Ser; replaces phenylalanine 284 with serine.
Molecular consequence: missense variant.
Genome position (GRCh38, 1-based): chr16:21,700,898, T>C. VCF-style: chr16-21700898-T-C. GRCh37 (hg19) VCF-style: chr16-21712219-T-C.
Other names: c.614T>C, p.Phe205Ser (NM_001161683.2); short protein forms F284S, F205S.
Identifiers: ClinVar variation 164820 (VCV000164820.5), dbSNP rs727503348, ClinGen allele CA177526.